The following is an entry in ClinVar:

NM_003823.4(TNFRSF6B):c.517A>C (p.Asn173His)

Genes: RTEL1-TNFRSF6B (RTEL1-TNFRSF6B readthrough (NMD candidate); plus strand), TNFRSF6B (TNF receptor superfamily member 6b; plus strand). Cytogenetic location: 20q13.33.
Variant type: single nucleotide variant.
Coding change: c.517A>C on transcript NM_003823.4 (MANE Select); coding-DNA position 517, A replaced by C.
Protein change: p.Asn173His; replaces asparagine 173 with histidine.
Molecular consequence: missense variant. On other transcripts: non-coding transcript variant (1).
Genome position (GRCh38, 1-based): chr20:63,697,420, A>C. VCF-style: chr20-63697420-A-C. GRCh37 (hg19) VCF-style: chr20-62328773-A-C.
Other names: short protein forms N173H.
Identifiers: ClinVar variation 4771875 (VCV004771875.1).

ClinVar aggregate classification (germline): Uncertain significance (1 of 4 stars; one submission).

Submission:

Labcorp Genetics (formerly Invitae), Labcorp
Classification: Uncertain significance. Last evaluated: 2025-06-17. Review status: criteria provided, single submitter. Criteria: Invitae Variant Classification Sherloc (09022015). Collection method: clinical testing. Allele origin: germline.
Comment: This sequence change replaces asparagine, which is neutral and polar, with histidine, which is basic and polar, at codon 173 of the TNFRSF6B protein (p.Asn173His). This variant is not present in population databases (gnomAD no frequency). This variant has not been reported in the literature in individuals affected with TNFRSF6B-related conditions. An algorithm developed to predict the effect of missense changes on protein structure and function (PolyPhen-2) suggests that this variant is likely to be disruptive. In summary, the available evidence is currently insufficient to determine the role of this variant in disease. Therefore, it has been classified as a Variant of Uncertain Significance.